The following is an entry in ClinVar:

NM_004999.4(MYO6):c.3821C>T (p.Thr1274Ile)

Gene: MYO6 (myosin VI; plus strand). Cytogenetic location: 6q14.1.
Variant type: single nucleotide variant.
Coding change: c.3821C>T on transcript NM_004999.4 (MANE Select); coding-DNA position 3821, C replaced by T.
Protein change: p.Thr1274Ile; replaces threonine 1274 with isoleucine.
Molecular consequence: missense variant. On other transcripts: non-coding transcript variant (1).
Genome position (GRCh38, 1-based): chr6:75,914,975, C>T. VCF-style: chr6-75914975-C-T. GRCh37 (hg19) VCF-style: chr6-76624692-C-T.
Other names: c.3752C>T, p.Thr1251Ile (NM_001300899.2); c.3725C>T, p.Thr1242Ile (NM_001368136.1); c.3782C>T, p.Thr1261Ile (NM_001368137.1); c.3737C>T, p.Thr1246Ile (NM_001368138.1); c.3848C>T, p.Thr1283Ile (NM_001368865.1); c.3821C>T, p.Thr1274Ile (NM_001368866.1); short protein forms T1242I, T1246I, T1251I, T1261I, T1274I, T1283I.
Identifiers: ClinVar variation 2631305 (VCV002631305.1), dbSNP rs1330608493, ClinGen allele CA364763308.

ClinVar aggregate classification (germline): Uncertain significance (1 of 4 stars; one submission).

Conditions:
MYO6-related disorder. Also called: MYO6-related condition; MYO6-related disorders.

Allele frequency attached by ClinVar (database versions not stated): gnomAD exomes below 0.00001.
gnomAD v4.1: 1 of 1,613,720 alleles (0.000062%); highest among the groups gnomAD compares: Admixed American, 0.0017%; no homozygotes.

Submission:

PreventionGenetics, part of Exact Sciences
Classification: Uncertain significance for MYO6-related condition. Last evaluated: 2023-09-08. Review status: criteria provided, single submitter. Criteria: ACMG Guidelines, 2015. Collection method: clinical testing. Allele origin: germline.
Comment: The MYO6 c.3821C>T variant is predicted to result in the amino acid substitution p.Thr1274Ile. To our knowledge, this variant has not been reported in the literature. This variant is reported in 0.0029% of alleles in individuals of Latino descent in gnomAD. At this time, the clinical significance of this variant is uncertain due to the absence of conclusive functional and genetic evidence.